The following is an entry in ClinVar:

NM_004385.5(VCAN):c.9274C>T (p.Arg3092Cys)

Genes: VCAN (versican; plus strand), VCAN-AS1 (VCAN antisense RNA 1; minus strand). Cytogenetic location: 5q14.3.
Variant type: single nucleotide variant.
Coding change: c.9274C>T on transcript NM_004385.5 (MANE Select); coding-DNA position 9274, C replaced by T.
Protein change: p.Arg3092Cys; replaces arginine 3092 with cysteine.
Molecular consequence: missense variant.
Genome position (GRCh38, 1-based): chr5:83,545,545, C>T. VCF-style: chr5-83545545-C-T. GRCh37 (hg19) VCF-style: chr5-82841364-C-T.
Other names: c.1051C>T, p.Arg351Cys (NM_001126336.3); c.6313C>T, p.Arg2105Cys (NM_001164097.2); c.4012C>T, p.Arg1338Cys (NM_001164098.2); short protein forms R2105C, R3092C, R1338C, R351C.
Identifiers: ClinVar variation 866477 (VCV000866477.7), dbSNP rs370120896, ClinGen allele CA3333955.
Genomic context (GRCh38, chr5:83,545,545, plus strand): 5'-CAAACATTAGAGACGAGCCTAACTGCTTTTCTTACTTTCCTGAATATGGTAGGACCTGAT[C>T]GCTGCAAAATGAACCCGTGCCTTAACGGAGGCACCTGTTATCCTACTGAAACTTCCTACG-3'
Protein context (NP_004376.2, residues 3082-3102): GTAIYLPGPD[Arg3092Cys]CKMNPCLNGG

ClinVar aggregate classification (germline): Uncertain significance. Review status: criteria provided, multiple submitters, no conflicts (2 of 4 stars). 2 submissions from 2 submitters: Uncertain significance (2). Last evaluated 2024-12-17.

Allele frequency attached by ClinVar (database versions not stated): ExAC 0.00001; gnomAD 0.00001; gnomAD exomes 0.00001; TOPMed 0.00001; ESP Exome Variant Server 0.00008.
gnomAD v4.1: 35 of 1,613,818 alleles (0.0022%); highest among the groups gnomAD compares: Non-Finnish European, 0.0027%; no homozygotes.

Submissions (2):

Labcorp Genetics (formerly Invitae), Labcorp
Classification: Uncertain significance. Last evaluated: 2024-12-17. Review status: criteria provided, single submitter. Criteria: Invitae Variant Classification Sherloc (09022015). Collection method: clinical testing. Allele origin: germline.
Comment: This sequence change replaces arginine, which is basic and polar, with cysteine, which is neutral and slightly polar, at codon 3092 of the VCAN protein (p.Arg3092Cys). This variant is present in population databases (rs370120896, gnomAD 0.003%). This variant has not been reported in the literature in individuals affected with VCAN-related conditions. ClinVar contains an entry for this variant (Variation ID: 866477). An algorithm developed to predict the effect of missense changes on protein structure and function (PolyPhen-2) suggests that this variant is likely to be disruptive. In summary, the available evidence is currently insufficient to determine the role of this variant in disease. Therefore, it has been classified as a Variant of Uncertain Significance.

Blueprint Genetics
Classification: Uncertain significance. Last evaluated: 2019-12-04. Review status: criteria provided, single submitter. Criteria: ACMG Guidelines, 2015. Collection method: clinical testing. Allele origin: germline.